The following is an entry in ClinVar:

NM_030930.4(UNC93B1):c.1099G>C (p.Val367Leu)

Gene: UNC93B1 (unc-93B1 regulator of TLR signaling; minus strand). Cytogenetic location: 11q13.2.
Variant type: single nucleotide variant.
Coding change: c.1099G>C on transcript NM_030930.4 (MANE Select); coding-DNA position 1099, G replaced by C.
Protein change: p.Val367Leu; replaces valine 367 with leucine.
Molecular consequence: missense variant.
Genome position (GRCh38, 1-based): chr11:67,995,875, C>G on the plus strand (G>C on the coding strand, the complement: UNC93B1 is on the minus strand). VCF-style: chr11-67995875-C-G. GRCh37 (hg19) VCF-style: chr11-67763346-C-G.
Other names: short protein forms V367L.
Identifiers: ClinVar variation 1444702 (VCV001444702.6), dbSNP rs1251067819, ClinGen allele CA381571221.
Genomic context (GRCh38, chr11:67,995,875, plus strand): 5'-AGGCGCCCAGGCTGTAAGCCACGAGGAGGTAAGCCAGCCGCTCCAGCCCCACCGAGCACA[C>G]GCCATAGCCCTGCGGGGGGACAAGGGGTGAGTGTTGAAGTCTGGAACAGCCCAGACCACA-3'
Protein context (NP_112192.2, residues 357-377): ACTGIALGYG[Val367Leu]CSVGLERLAY

ClinVar aggregate classification (germline): Uncertain significance (1 of 4 stars; one submission).

Conditions:
Encephalopathy, acute, infection-induced (herpes-specific), susceptibility to, 1. Also called: Herpes simplex encephalitis, susceptibility to, 1. Identifiers: Orphanet 1930, MedGen C2750180, MONDO:0024563, OMIM 610551.

Allele frequency attached by ClinVar (database versions not stated): gnomAD 0.00001.
gnomAD v4.1: 3 of 1,515,740 alleles (0.0002%); highest among the groups gnomAD compares: African/African-American, 0.0014%; no homozygotes.

Submission:

Labcorp Genetics (formerly Invitae), Labcorp
Classification: Uncertain significance for Encephalopathy, acute, infection-induced (herpes-specific), susceptibility to, 1. Last evaluated: 2021-07-22. Review status: criteria provided, single submitter. Criteria: Invitae Variant Classification Sherloc (09022015). Collection method: clinical testing. Allele origin: germline.
Comment: This sequence change replaces valine with leucine at codon 367 of the UNC93B1 protein (p.Val367Leu). The valine residue is moderately conserved and there is a small physicochemical difference between valine and leucine. The frequency data for this variant in the population databases is considered unreliable, as metrics indicate insufficient coverage at this position in the ExAC database. This variant has not been reported in the literature in individuals with UNC93B1-related conditions. Experimental studies and prediction algorithms are not available or were not evaluated, and the functional significance of this variant is currently unknown. In summary, the available evidence is currently insufficient to determine the role of this variant in disease. Therefore, it has been classified as a Variant of Uncertain Significance.